The following is an entry in ClinVar:

ClinVar aggregate classification (germline): Benign (1 of 4 stars; one submission).

Submission:

CeGaT Center for Human Genetics Tuebingen
Classification: Benign. Last evaluated: 2026-07-01. Review status: criteria provided, single submitter. Criteria: CeGaT Center For Human Genetics Tuebingen Variant Classification Criteria Version 2. Collection method: clinical testing. Allele origin: germline. Affected: yes. Observed: 3 variant alleles.
Comment: ETV6: BS1, BS2

NM_001987.5(ETV6):c.1009+4698_1009+4699insGT

Gene: ETV6 (ETS variant transcription factor 6; plus strand). Cytogenetic location: 12p13.2.
Variant type: Insertion.
Coding change: c.1009+4698_1009+4699insGT on transcript NM_001987.5 (MANE Select); bases 4698 to 4699 of the intron after coding-DNA position 1009, GT inserted.
Molecular consequence: intron variant.
Genome position: GRCh38 VCF-style: chr12-11874666-A-ATG. GRCh37 (hg19) VCF-style: chr12-12027600-A-ATG.
Other names: c.982+4698_982+4699insGT (NM_001413914.1); c.1009+4698_1009+4699insGT (NM_001413917.1); c.1006+4698_1006+4699insGT (NM_001413913.1); c.745+4698_745+4699insGT (NM_001413915.1).
Identifiers: ClinVar variation 2642727 (VCV002642727.24), dbSNP rs1565562810, ClinGen allele CA603425310.
Genomic context (GRCh38, chr12:11,874,666, plus strand): 5'-GTGCGTGTGTACACACATATGTGTATGTGTGTGTGTATATACACATATGTGTGTATATGT[A>ATG]TATATGTGTGTATATATGTATATGTGTGTATATATGTATATATGTATATGTGTATATATA-3'